The following is an entry in ClinVar:

NM_001363711.2(DUOX2):c.3175C>T (p.Arg1059Cys)

Gene: DUOX2 (dual oxidase 2; minus strand). Cytogenetic location: 15q21.1.
Variant type: single nucleotide variant.
Coding change: c.3175C>T on transcript NM_001363711.2 (MANE Select); coding-DNA position 3175, C replaced by T.
Protein change: p.Arg1059Cys; replaces arginine 1059 with cysteine.
Molecular consequence: missense variant.
Genome position (GRCh38, 1-based): chr15:45,100,059, G>A on the plus strand (C>T on the coding strand, the complement: DUOX2 is on the minus strand). VCF-style: chr15-45100059-G-A. GRCh37 (hg19) VCF-style: chr15-45392257-G-A.
Other names: c.3175C>T, p.Arg1059Cys (NM_014080.5); c.3175C>T (NM_014080.4); short protein forms R1059C.
Identifiers: ClinVar variation 1520364 (VCV001520364.9), dbSNP rs145502900, ClinGen allele CA7537988.
Genomic context (GRCh38, chr15:45,100,059, plus strand): 5'-CAAGGGTCAGAGCCTGCTCCCTACCCACTGCCCACAGCCTGGAACTCTTACAGTAAGCAC[G>A]ATCTGCAAACACGCCAACACAGATGGCCGAGAAGATTGCCACACACACGATGTGCCTCCG-3'
Protein context (NP_001350640.1, residues 1049-1069): SAICVGVFAD[Arg1059Cys]AYYYGFASPP

ClinVar aggregate classification (germline): Uncertain significance. Review status: criteria provided, multiple submitters, no conflicts (2 of 4 stars). 4 submissions from 4 submitters: Uncertain significance (4). Last evaluated 2026-01-21.

Conditions:
Thyroid dyshormonogenesis 6 (TDH6). Also called: Genetic transient congenital hypothyroidism; THYROID HORMONOGENESIS, GENETIC DEFECT IN, 6; HYPOTHYROIDISM, CONGENITAL, DUE TO DYSHORMONOGENESIS, 6. Identifiers: Orphanet 226316, Orphanet 95716, MedGen C1846632, MONDO:0011792, OMIM 607200.
DUOX2-related disorder. Also called: DUOX2-related condition.

Allele frequency attached by ClinVar (database versions not stated): ExAC 0.00019; ESP Exome Variant Server 0.00023; gnomAD 0.00009 and 0.00014; TOPMed 0.00016.
gnomAD v4.1: 241 of 1,614,198 alleles (0.015%); highest among the groups gnomAD compares: Middle Eastern, 0.23%; 1 homozygote.

Submissions (4):

Labcorp Genetics (formerly Invitae), Labcorp
Classification: Uncertain significance. Last evaluated: 2026-01-21. Review status: criteria provided, single submitter. Criteria: Invitae Variant Classification Sherloc (09022015). Collection method: clinical testing. Allele origin: germline.
Comment: This sequence change replaces arginine, which is basic and polar, with cysteine, which is neutral and slightly polar, at codon 1059 of the DUOX2 protein (p.Arg1059Cys). This variant is present in population databases (rs145502900, gnomAD 0.04%). This missense change has been observed in individual(s) with clinical features of DUOX2-related conditions (PMID: 28444304, 33651715, 38075699). ClinVar contains an entry for this variant (Variation ID: 1520364). Invitae Evidence Modeling of protein sequence and biophysical properties (such as structural, functional, and spatial information, amino acid conservation, physicochemical variation, residue mobility, and thermodynamic stability) indicates that this missense variant is expected to disrupt DUOX2 protein function with a positive predictive value of 80%. Experimental studies are conflicting or provide insufficient evidence to determine the effect of this variant on DUOX2 function (PMID: 38075699). In summary, the available evidence is currently insufficient to determine the role of this variant in disease. Therefore, it has been classified as a Variant of Uncertain Significance.

PreventionGenetics, part of Exact Sciences
Classification: Uncertain significance for DUOX2-related condition. Last evaluated: 2026-01-08. Review status: criteria provided, single submitter. Criteria: ACMG Guidelines, 2015. Collection method: clinical testing. Allele origin: germline.
Comment: The DUOX2 c.3175C>T variant is predicted to result in the amino acid substitution p.Arg1059Cys. This variant was reported in an individual with congenital hypothyroidism (de Filippis et al. 2017. PubMed ID: 28444304) and was reported in the compound heterozygous state in an individual with neonatal-onset inflammatory bowel disease (Finocchi et al. 2023. PubMed ID: 38075699). This variant is reported in 0.039% of alleles in individuals of South Asian descent in gnomAD. At this time, the clinical significance of this variant is uncertain due to the absence of conclusive functional and genetic evidence.

Revvity Omics, Revvity
Classification: Uncertain significance for Thyroid dyshormonogenesis 6. Last evaluated: 2022-08-12. Review status: criteria provided, single submitter. Criteria: ACMG Guidelines, 2015. Collection method: clinical testing. Allele origin: germline.

Breakthrough Genomics
Classification: Uncertain significance. Review status: criteria provided, single submitter. Criteria: ACMG Guidelines, 2015. Collection method: not provided. Allele origin: germline. Inheritance: Autosomal recessive inheritance. Affected: yes.

Literature cited by the submitters: PubMed 28444304 (cited by Labcorp Genetics (formerly Invitae), Labcorp); PubMed 33651715 (cited by Labcorp Genetics (formerly Invitae), Labcorp); PubMed 38075699 (cited by Labcorp Genetics (formerly Invitae), Labcorp).